The following is an entry in ClinVar:

ClinVar aggregate classification (germline): Uncertain significance (1 of 4 stars; one submission).

Conditions:
Familial cancer of breast. Also called: hereditary breast carcinoma; Hereditary breast cancer; BREAST CANCER, FAMILIAL. Identifiers: Orphanet 227535, MedGen C0346153, MONDO:0016419, OMIM 114480. Disease mechanism: loss of function.

Submission:

Labcorp Genetics (formerly Invitae), Labcorp
Classification: Uncertain significance for Familial cancer of breast. Last evaluated: 2021-10-06. Review status: criteria provided, single submitter. Criteria: Invitae Variant Classification Sherloc (09022015). Collection method: clinical testing. Allele origin: germline.
Comment: In summary, the available evidence is currently insufficient to determine the role of this variant in disease. Therefore, it has been classified as a Variant of Uncertain Significance. Algorithms developed to predict the effect of missense changes on protein structure and function (SIFT, PolyPhen-2, Align-GVGD) all suggest that this variant is likely to be disruptive. This variant has not been reported in the literature in individuals affected with CHEK2-related conditions. This variant is not present in population databases (ExAC no frequency). This sequence change replaces phenylalanine with cysteine at codon 144 of the CHEK2 protein (p.Phe144Cys). The phenylalanine residue is highly conserved and there is a large physicochemical difference between phenylalanine and cysteine.

NM_007194.4(CHEK2):c.431T>G (p.Phe144Cys)

Gene: CHEK2 (checkpoint kinase 2; minus strand). Cytogenetic location: 22q12.1.
Variant type: single nucleotide variant.
Coding change: c.431T>G on transcript NM_007194.4 (MANE Select); coding-DNA position 431, T replaced by G.
Protein change: p.Phe144Cys; replaces phenylalanine 144 with cysteine.
Molecular consequence: missense variant.
Genome position (GRCh38, 1-based): chr22:28,725,256, A>C on the plus strand (T>G on the coding strand, the complement: CHEK2 is on the minus strand). VCF-style: chr22-28725256-A-C. GRCh37 (hg19) VCF-style: chr22-29121244-A-C.
Other names: c.560T>G, p.Phe187Cys (NM_001005735.3); c.-347T>G (NM_001257387.3); c.431T>G, p.Phe144Cys (NM_001349956.3, NM_145862.3); short protein forms F187C, F144C.
Identifiers: ClinVar variation 1345917 (VCV001345917.7), dbSNP rs2053956853, ClinGen allele CA411107901.
Genomic context (GRCh38, chr22:28,725,256, plus strand): 5'-TGACCAAATTACCAGCTCTCCTAGATACATGGGTATTCATTACCTACCCTGAAAATCCGA[A>C]AGTGTTTCTTGCTGTATGTTCGGTATTTATCTGTTCTTTTCAGCAGTGGTTCATCAAAGC-3'
Protein context (NP_009125.1, residues 134-154): DKYRTYSKKH[Phe144Cys]RIFREVGPKN